The following is an entry in ClinVar:

ClinVar aggregate classification (germline): Uncertain significance. Review status: criteria provided, multiple submitters, no conflicts (2 of 4 stars). 2 submissions from 2 submitters: Uncertain significance (2). Last evaluated 2026-07-04.

Conditions:
Familial thoracic aortic aneurysm and aortic dissection (TAAD). Also called: Thoracic aortic aneurysms and dissections. Identifiers: Orphanet 91387, MedGen C4707243, MONDO:0019625.

gnomAD v4.1: 1 of 1,419,248 alleles (0.00007%); highest among the groups gnomAD compares: Admixed American, 0.0025%; no homozygotes.

Submissions (2):

Ambry Genetics
Classification: Uncertain significance for Familial thoracic aortic aneurysm and aortic dissection. Last evaluated: 2026-07-04. Review status: criteria provided, single submitter. Criteria: Ambry Variant Classification Scheme 2023. Collection method: clinical testing. Allele origin: germline.
Comment: The p.A46T variant (also known as c.136G>A), located in coding exon 1 of the SKI gene, results from a G to A substitution at nucleotide position 136. The alanine at codon 46 is replaced by threonine, an amino acid with similar properties. This amino acid position is conserved. In addition, this alteration is predicted to be tolerated by in silico analysis. Based on the available evidence, the clinical significance of this variant remains unclear.

Dasa
Classification: Uncertain significance. Last evaluated: 2025-07-10. Review status: criteria provided, single submitter. Criteria: DASA Assertion Criteria. Collection method: clinical testing. Allele origin: germline.
Comment: NM_003036.4(SKI):c.136G>A (p.Ala46Thr) is a missense variant that results in the substitution of alanine with threonine. This variant is rare in population databases. Computational prediction algorithms are consistent with a benign effect. The currently available literature and clinical evidence are not sufficient to establish a definitive association between this variant and the reported condition. Therefore, this variant is classified as a variant of uncertain significance.

NM_003036.4(SKI):c.136G>A (p.Ala46Thr)

Gene: SKI (SKI proto-oncogene; plus strand). Cytogenetic location: 1p36.33.
Variant type: single nucleotide variant.
Coding change: c.136G>A on transcript NM_003036.4 (MANE Select); coding-DNA position 136, G replaced by A.
Protein change: p.Ala46Thr; replaces alanine 46 with threonine.
Molecular consequence: missense variant.
Genome position (GRCh38, 1-based): chr1:2,228,902, G>A. VCF-style: chr1-2228902-G-A. GRCh37 (hg19) VCF-style: chr1-2160341-G-A.
Other names: c.136G>A (NM_003036.3); short protein forms A46T.
Identifiers: ClinVar variation 4885179 (VCV004885179.3).